The following is an entry in ClinVar:

ClinVar aggregate classification (germline): Uncertain significance (1 of 4 stars; one submission).

Conditions:
Immunodeficiency 35 (IMD35). Also called: HIES WITH ATYPICAL MYCOBACTERIOSIS, AUTOSOMAL RECESSIVE; HYPER-IgE SYNDROME WITH ATYPICAL MYCOBACTERIOSIS, AUTOSOMAL RECESSIVE; TYK2 DEFICIENCY; Susceptibility to infection due to TYK2 deficiency. Identifiers: Orphanet 331226, MedGen C1969086, MONDO:0012682, OMIM 611521.

Allele frequency attached by ClinVar (database versions not stated): gnomAD exomes below 0.00001; TOPMed 0.00001.
gnomAD v4.1: 1 of 1,614,142 alleles (0.000062%); highest among the groups gnomAD compares: Non-Finnish European, 0.000085%; no homozygotes.

Submission:

Labcorp Genetics (formerly Invitae), Labcorp
Classification: Uncertain significance for Immunodeficiency 35. Last evaluated: 2025-03-10. Review status: criteria provided, single submitter. Criteria: Invitae Variant Classification Sherloc (09022015). Collection method: clinical testing. Allele origin: germline.
Comment: This sequence change replaces glutamic acid with lysine at codon 1174 of the TYK2 protein (p.Glu1174Lys). The glutamic acid residue is highly conserved and there is a small physicochemical difference between glutamic acid and lysine. This variant is present in population databases (no rsID available, gnomAD no frequency). This variant has not been reported in the literature in individuals affected with TYK2-related conditions. ClinVar contains an entry for this variant (Variation ID: 1497952). An algorithm developed to predict the effect of missense changes on protein structure and function (PolyPhen-2) suggests that this variant is likely to be tolerated. In summary, the available evidence is currently insufficient to determine the role of this variant in disease. Therefore, it has been classified as a Variant of Uncertain Significance.

NM_003331.5(TYK2):c.3520G>A (p.Glu1174Lys)

Gene: TYK2 (tyrosine kinase 2; minus strand). Cytogenetic location: 19p13.2.
Variant type: single nucleotide variant.
Coding change: c.3520G>A on transcript NM_003331.5 (MANE Select); coding-DNA position 3520, G replaced by A.
Protein change: p.Glu1174Lys; replaces glutamic acid 1174 with lysine.
Molecular consequence: missense variant.
Genome position (GRCh38, 1-based): chr19:10,350,878, C>T on the plus strand (G>A on the coding strand, the complement: TYK2 is on the minus strand). VCF-style: chr19-10350878-C-T. GRCh37 (hg19) VCF-style: chr19-10461554-C-T.
Other names: c.3409G>A, p.Glu1137Lys (NM_001385197.1); c.3370G>A, p.Glu1124Lys (NM_001385198.1); c.3334G>A, p.Glu1112Lys (NM_001385199.1); c.3517G>A, p.Glu1173Lys (NM_001385200.1); c.3322G>A, p.Glu1108Lys (NM_001385201.1); c.3436G>A, p.Glu1146Lys (NM_001385202.1); c.3601G>A, p.Glu1201Lys (NM_001385203.1); c.3730G>A, p.Glu1244Lys (NM_001385204.1); and 3 more; short protein forms E1112K, E1173K, E1108K, E1124K, E1168K, E1201K, E1244K, E1132K.
Identifiers: ClinVar variation 1497952 (VCV001497952.6), dbSNP rs1469065798, ClinGen allele CA403979721.